The following is an entry in ClinVar:

ClinVar aggregate classification (germline): Uncertain significance. Review status: criteria provided, multiple submitters, no conflicts (2 of 4 stars). 3 submissions from 3 submitters: Uncertain significance (3). Last evaluated 2022-01-03.

Conditions:
Charcot-Marie-Tooth disease type 2E (CMT2E). Also called: CHARCOT-MARIE-TOOTH NEUROPATHY, TYPE 2E; CHARCOT-MARIE-TOOTH DISEASE, AXONAL, TYPE 2E. Identifiers: Orphanet 99939, MedGen C1843225, MONDO:0011894, OMIM 607684.

Submissions (3):

Baylor Genetics
Classification: Uncertain significance for Charcot-Marie-Tooth disease type 2E. Last evaluated: 2022-01-03. Review status: criteria provided, single submitter. Criteria: ACMG Guidelines, 2015. Collection method: clinical testing. Allele origin: unknown.

Labcorp Genetics (formerly Invitae), Labcorp
Classification: Uncertain significance for Charcot-Marie-Tooth disease type 2E. Last evaluated: 2020-05-14. Review status: criteria provided, single submitter. Criteria: Invitae Variant Classification Sherloc (09022015). Collection method: clinical testing. Allele origin: germline.
Comment: This variant has not been reported in the literature in individuals with NEFL-related conditions. ClinVar contains an entry for this variant (Variation ID: 576990). This variant is not present in population databases (ExAC no frequency). This sequence change replaces proline with serine at codon 8 of the NEFL protein (p.Pro8Ser). The proline residue is highly conserved and there is a moderate physicochemical difference between proline and serine. Experimental studies and prediction algorithms are not available or were not evaluated, and the functional significance of this variant is currently unknown. In summary, the available evidence is currently insufficient to determine the role of this variant in disease. Therefore, it has been classified as a Variant of Uncertain Significance. This variant disrupts the p.Pro8 amino acid residue in NEFL. Other variant(s) that disrupt this residue have been determined to be pathogenic (PMID: 22155564, 12566280, 28501821, 23618875, 19158810). This suggests that this residue is clinically significant, and that variants that disrupt this residue are likely to be disease-causing.

Blueprint Genetics
Classification: Uncertain significance. Last evaluated: 2020-02-27. Review status: criteria provided, single submitter. Criteria: ACMG Guidelines, 2015. Collection method: clinical testing. Allele origin: germline.

Literature cited by the submitters: PubMed 22155564 (cited by Labcorp Genetics (formerly Invitae), Labcorp); PubMed 12566280 (cited by Labcorp Genetics (formerly Invitae), Labcorp); PubMed 28501821 (cited by Labcorp Genetics (formerly Invitae), Labcorp); PubMed 23618875 (cited by Labcorp Genetics (formerly Invitae), Labcorp); PubMed 19158810 (cited by Labcorp Genetics (formerly Invitae), Labcorp).

NM_006158.5(NEFL):c.22C>T (p.Pro8Ser)

Gene: NEFL (neurofilament light chain; minus strand). Cytogenetic location: 8p21.2.
Variant type: single nucleotide variant.
Coding change: c.22C>T on transcript NM_006158.5 (MANE Select); coding-DNA position 22, C replaced by T.
Protein change: p.Pro8Ser; replaces proline 8 with serine.
Molecular consequence: missense variant.
Genome position (GRCh38, 1-based): chr8:24,956,494, G>A on the plus strand (C>T on the coding strand, the complement: NEFL is on the minus strand). VCF-style: chr8-24956494-G-A. GRCh37 (hg19) VCF-style: chr8-24814008-G-A.
Other names: short protein forms P8S.
Identifiers: ClinVar variation 576990 (VCV000576990.9), dbSNP rs886043551, ClinGen allele CA370624286.
Genomic context (GRCh38, chr8:24,956,494, plus strand): 5'-TGGAGATGTGCACCCGGGGCGTCTCCACGTAGCGCCGCTTGTAGGAGGTCGAGTAGTACG[G>A]CTCGTAGCTGAAGGAACTCATGGTGGCGGCCGGTGGCTCCCCGGCCCGCGGCGGCGGTGG-3'
Protein context (NP_006149.2, residues 1-18): MSSFSYE[Pro8Ser]YYSTSYKRRY